The following is an entry in ClinVar:

ClinVar aggregate classification (germline): Benign/Likely benign. Review status: criteria provided, multiple submitters, no conflicts (2 of 4 stars). 16 submissions from 13 submitters: Benign (8); Likely benign (4). 4 of the submissions do not count toward it. Last evaluated 2025-12-05.

Conditions:
TTN-related disorder. Also called: TTN-related condition; TTN-related disease; TTN-related disorders.
Dilated cardiomyopathy 1G (CMD1G). Identifiers: Orphanet 154, MedGen C1858763, MONDO:0011400, OMIM 604145.
Autosomal recessive limb-girdle muscular dystrophy type 2J (LGMDR10). Also called: Limb-girdle muscular dystrophy, type 2J; MUSCULAR DYSTROPHY, LIMB-GIRDLE, AUTOSOMAL RECESSIVE 10. Identifiers: Orphanet 140922, MedGen C1837342, MONDO:0012127, OMIM 608807.
Cardiomyopathy (CMYO). Also called: Cardiomyopathies. Identifiers: Orphanet 167848, MedGen C0878544, MONDO:0004994, HP:0001638. Inheritance: Various modes of inheritance.
Early-onset myopathy with fatal cardiomyopathy (CMYO5). Also called: Salih Myopathy; CONGENITAL MYOPATHY 5 WITH CARDIOMYOPATHY. Identifiers: Orphanet 289377, MedGen C2673677, MONDO:0012714, OMIM 611705. Disease mechanism: loss of function.
Myopathy, myofibrillar, 9, with early respiratory failure (MFM9). Also called: Hereditary myopathy with early respiratory failure; Myopathy, distal, with early respiratory failure, autosomal dominant; EDSTROM MYOPATHY; MYOPATHY, PROXIMAL, WITH EARLY RESPIRATORY MUSCLE INVOLVEMENT. Identifiers: Orphanet 178464, Orphanet 34521, MedGen C1863599, MONDO:0011362, OMIM 603689.
Tibial muscular dystrophy (TMD). Also called: Udd Distal Myopathy – Tibial Muscular Dystrophy; Tibial muscular dystrophy, tardive; UDD MYOPATHY. Identifiers: Orphanet 609, MedGen C1838244, MONDO:0010870, OMIM 600334.

Allele frequency attached by ClinVar (database versions not stated): gnomAD 0.00002 and 0.00017; TOPMed 0.00004; gnomAD exomes 0.00044 and 0.00083; ExAC 0.00101; 1000 Genomes Project 30x 0.00109; 1000 Genomes Project 0.00120.
gnomAD v4.1: 649 of 1,613,142 alleles (0.04%); highest among the groups gnomAD compares: South Asian, 0.69%; 6 homozygotes.

Submissions (16):

Labcorp Genetics (formerly Invitae), Labcorp
Classification: Benign for Dilated cardiomyopathy 1G; Autosomal recessive limb-girdle muscular dystrophy type 2J. Last evaluated: 2025-12-05. Review status: criteria provided, single submitter. Criteria: Invitae Variant Classification Sherloc (09022015). Collection method: clinical testing. Allele origin: germline.

Molecular Diagnostic Laboratory for Inherited Cardiovascular Disease, Montreal Heart Institute
Classification: Likely benign. Last evaluated: 2025-04-09. Review status: criteria provided, single submitter. Criteria: ACMG Guidelines, 2015. Collection method: clinical testing. Allele origin: germline. Affected: no.

Blueprint Genetics
Classification: Likely benign. Last evaluated: 2024-10-09. Review status: criteria provided, single submitter. Criteria: ACMG Guidelines, 2015. Collection method: clinical testing. Allele origin: germline.

CeGaT Center for Human Genetics Tuebingen
Classification: Likely benign. Last evaluated: 2024-04-01. Review status: criteria provided, single submitter. Criteria: CeGaT Center For Human Genetics Tuebingen Variant Classification Criteria Version 2. Collection method: clinical testing. Allele origin: germline. Affected: yes. Observed: 2 variant alleles.
Comment: TTN: BS2

Genome-Nilou Lab
Classification: Benign for Autosomal recessive limb-girdle muscular dystrophy type 2J. Last evaluated: 2021-09-10. Review status: criteria provided, single submitter. Criteria: ACMG Guidelines, 2015. Collection method: clinical testing. Allele origin: germline. Affected: no.

Genome-Nilou Lab
Classification: Benign for Myopathy, myofibrillar, 9, with early respiratory failure. Last evaluated: 2021-09-10. Review status: criteria provided, single submitter. Criteria: ACMG Guidelines, 2015. Collection method: clinical testing. Allele origin: germline. Affected: no.

Genome-Nilou Lab
Classification: Benign for Early-onset myopathy with fatal cardiomyopathy. Last evaluated: 2021-09-10. Review status: criteria provided, single submitter. Criteria: ACMG Guidelines, 2015. Collection method: clinical testing. Allele origin: germline. Affected: no.

Genome-Nilou Lab
Classification: Benign for Tibial muscular dystrophy. Last evaluated: 2021-09-10. Review status: criteria provided, single submitter. Criteria: ACMG Guidelines, 2015. Collection method: clinical testing. Allele origin: germline. Affected: no.

Laboratory for Molecular Medicine, Mass General Brigham Personalized Medicine
Classification: Benign. Last evaluated: 2021-01-26. Review status: criteria provided, single submitter. Criteria: LMM Criteria. Collection method: clinical testing. Allele origin: germline. Observed: 3 variant alleles.
Comment: The p.Arg22681Cys variant in TTN is classified as benign because it has been identified in 0.65% (200/30564) of South Asian chromosomes by gnomAD. ACMG/AMP Criteria applied: BA1.

GeneDx
Classification: Likely benign. Last evaluated: 2019-01-02. Review status: criteria provided, single submitter. Criteria: GeneDx Variant Classification Process June 2021. Collection method: clinical testing. Allele origin: germline. Affected: yes.

CHEO Genetics Diagnostic Laboratory, Children's Hospital of Eastern Ontario
Classification: Benign for Cardiomyopathy. Last evaluated: 2017-11-28. Review status: criteria provided, single submitter. Criteria: ACMG Guidelines, 2015. Collection method: clinical testing. Allele origin: germline.

Eurofins Ntd Llc (ga)
Classification: Benign. Last evaluated: 2015-10-06. Review status: criteria provided, single submitter. Criteria: EGL Classification Definitions 2015. Collection method: clinical testing. Allele origin: germline. Observed: 1 variant allele, 1 heterozygote.

PreventionGenetics, part of Exact Sciences
Classification: Likely benign for TTN-related condition. Last evaluated: 2019-04-08. Review status: no assertion criteria provided. Collection method: clinical testing. Allele origin: germline. Not counted in ClinVar's aggregate classification.
Comment: This variant is classified as likely benign based on ACMG/AMP sequence variant interpretation guidelines (Richards et al. 2015 PMID: 25741868, with internal and published modifications).

Clinical Genetics DNA and cytogenetics Diagnostics Lab, Erasmus MC, Erasmus Medical Center
Classification: Likely benign. Review status: no assertion criteria provided. Collection method: clinical testing. Allele origin: germline. Affected: yes. Study: VKGL Data-share Consensus. Not counted in ClinVar's aggregate classification.

Clinical Genetics, Academic Medical Center
Classification: Benign. Review status: no assertion criteria provided. Collection method: clinical testing. Allele origin: germline. Affected: yes. Study: VKGL Data-share Consensus. Not counted in ClinVar's aggregate classification.

Genome Diagnostics Laboratory, University Medical Center Utrecht
Classification: Benign. Review status: no assertion criteria provided. Collection method: clinical testing. Allele origin: germline. Affected: yes. Study: VKGL Data-share Consensus. Not counted in ClinVar's aggregate classification.

NM_001267550.2(TTN):c.75745C>T (p.Arg25249Cys)

Genes: TTN-AS1 (TTN antisense RNA 1; plus strand), TTN (titin; minus strand). Cytogenetic location: 2q31.2.
Variant type: single nucleotide variant.
Coding change: c.75745C>T on transcript NM_001267550.2 (MANE Select); coding-DNA position 75745, C replaced by T.
Protein change: p.Arg25249Cys; replaces arginine 25249 with cysteine.
Molecular consequence: missense variant.
Genome position (GRCh38, 1-based): chr2:178,570,387, G>A on the plus strand (C>T on the coding strand, the complement: TTN is on the minus strand). VCF-style: chr2-178570387-G-A. GRCh37 (hg19) VCF-style: chr2-179435114-G-A.
Other names: c.70822C>T, p.Arg23608Cys (NM_001256850.1); c.68041C>T, p.Arg22681Cys (NM_133378.4); c.48550C>T, p.Arg16184Cys (NM_003319.4); c.48925C>T, p.Arg16309Cys (NM_133432.3); c.49126C>T, p.Arg16376Cys (NM_133437.4); short protein forms R25249C, R22681C, R23608C, R16184C, R16309C, R16376C.
Identifiers: ClinVar variation 47341 (VCV000047341.52), dbSNP rs397517702, ClinGen allele CA140736.